The following is an entry in ClinVar:

NM_000535.7(PMS2):c.251-72A>G

Gene: PMS2 (PMS1 homolog 2, mismatch repair system component; minus strand). Cytogenetic location: 7p22.1.
Variant type: single nucleotide variant.
Coding change: c.251-72A>G on transcript NM_000535.7 (MANE Select); 72 bases into the intron before coding-DNA position 251, A replaced by G.
Molecular consequence: intron variant.
Genome position (GRCh38, 1-based): chr7:6,003,864, T>C on the plus strand (A>G on the coding strand, the complement: PMS2 is on the minus strand). VCF-style: chr7-6003864-T-C. GRCh37 (hg19) VCF-style: chr7-6043495-T-C.
Other names: c.35+108A>G (NM_001322008.2, NM_001322007.2); c.-155-72A>G (NM_001322010.2, NM_001322004.2, NM_001322013.2 and 3 more transcripts); c.-634-72A>G (NM_001322012.2, NM_001322011.2); c.-234-72A>G (NM_001322015.2); c.251-72A>G (NM_001322006.2, NM_001322014.2).
Identifiers: ClinVar variation 91346 (VCV000091346.8), dbSNP rs117831773, ClinGen allele CA011593.

ClinVar aggregate classification (germline): Benign. Review status: reviewed by expert panel (3 of 4 stars). 4 submissions from 4 submitters: Benign (1). 3 of the submissions do not count toward it. Last evaluated 2013-09-05.

Conditions:
Lynch syndrome. Identifiers: Orphanet 144, MedGen C4552100, MONDO:0005835. Disease mechanism: loss of function.

Allele frequency attached by ClinVar (database versions not stated): 1000 Genomes Project 0.01777; 1000 Genomes Project 30x 0.01796; gnomAD 0.02449 and 0.02460; TOPMed 0.02627; gnomAD exomes 0.03161.
gnomAD v4.1: 38,790 of 1,256,914 alleles (3.1%); highest among the groups gnomAD compares: Middle Eastern, 10%; 804 homozygotes.

Submissions (4):

International Society for Gastrointestinal Hereditary Tumours (InSiGHT)
Classification: Benign for Lynch Syndrome. Last evaluated: 2013-09-05. Review status: reviewed by expert panel. Criteria: Guidelines v1.9. Collection method: research. Allele origin: germline.
Comment: MAF >1%

Classified with v1.9 guidelines
ClinVar note: Converted during submission from no known pathogenicity to Benign.

GeneDx
Classification: Benign. Last evaluated: 2015-03-03. Review status: criteria provided, single submitter. Criteria: GeneDx Variant Classification Process June 2021. Collection method: clinical testing. Allele origin: germline. Affected: yes. Not counted in ClinVar's aggregate classification.

Clinical Genetics Laboratory, Department of Pathology, Netherlands Cancer Institute
Classification: Benign. Review status: no assertion criteria provided. Collection method: clinical testing. Allele origin: germline. Affected: yes. Study: VKGL Data-share Consensus. Not counted in ClinVar's aggregate classification.

Joint Genome Diagnostic Labs from Nijmegen and Maastricht, Radboudumc and MUMC+
Classification: Benign. Review status: no assertion criteria provided. Collection method: clinical testing. Allele origin: germline. Affected: yes. Study: VKGL Data-share Consensus. Not counted in ClinVar's aggregate classification.